The following is an entry in ClinVar:

ClinVar aggregate classification (germline): Uncertain significance (1 of 4 stars; one submission).

Conditions:
Hereditary cancer-predisposing syndrome. Also called: Neoplastic Syndromes, Hereditary; Tumor predisposition; Hereditary Cancer Syndrome; Hereditary neoplastic syndrome. Identifiers: Orphanet 140162, MedGen C0027672, MeSH D009386, MONDO:0015356.

Submission:

Ambry Genetics
Classification: Uncertain significance for Hereditary cancer-predisposing syndrome. Last evaluated: 2025-11-02. Review status: criteria provided, single submitter. Criteria: Ambry Variant Classification Scheme 2023. Collection method: clinical testing. Allele origin: germline.
Comment: The p.S37N variant (also known as c.110G>A), located in coding exon 1 of the PHOX2B gene, results from a G to A substitution at nucleotide position 110. The serine at codon 37 is replaced by asparagine, an amino acid with highly similar properties. This amino acid position is conserved. In addition, the in silico prediction for this alteration is inconclusive. Based on the available evidence, the clinical significance of this variant remains unclear.

NM_003924.4(PHOX2B):c.110G>A (p.Ser37Asn)

Genes: PHOX2B-AS1 (PHOX2B antisense RNA 1; plus strand), PHOX2B (paired like homeobox 2B; minus strand). Cytogenetic location: 4p13.
Variant type: single nucleotide variant.
Coding change: c.110G>A on transcript NM_003924.4 (MANE Select); coding-DNA position 110, G replaced by A.
Protein change: p.Ser37Asn; replaces serine 37 with asparagine.
Molecular consequence: missense variant. On other transcripts: non-coding transcript variant (1).
Genome position (GRCh38, 1-based): chr4:41,748,501, C>T on the plus strand (G>A on the coding strand, the complement: PHOX2B is on the minus strand). VCF-style: chr4-41748501-C-T. GRCh37 (hg19) VCF-style: chr4-41750518-C-T.
Other names: short protein forms S37N.
Identifiers: ClinVar variation 4666015 (VCV004666015.1).